The following is an entry in ClinVar:

NM_001042492.3(NF1):c.7745dup (p.Arg2583fs)

Gene: NF1 (neurofibromin 1; plus strand). Cytogenetic location: 17q11.2.
Variant type: Duplication.
Coding change: c.7745dup on transcript NM_001042492.3 (MANE Select); coding-DNA position 7745, one base duplicated (A; older notation c.7745dupA).
Protein change: p.Arg2583fs; shifts the reading frame from arginine 2583.
Molecular consequence: frameshift variant.
Genome position (GRCh38, 1-based): chr17:31,356,966, A duplicated. VCF-style (leftmost placement, unchanged base first): chr17-31356965-C-CA. GRCh37 (hg19) VCF-style: chr17-29683983-C-CA.
Other names: c.7682dupA (NM_000267.3); c.7682dup, p.Arg2562Glufs (NM_000267.4); short protein forms R2583fs, R2562fs.
Identifiers: ClinVar variation 457853 (VCV000457853.9), dbSNP rs1555536683, ClinGen allele CA658658605.

ClinVar aggregate classification (germline): Pathogenic. Review status: criteria provided, multiple submitters, no conflicts (2 of 4 stars). 2 submissions from 2 submitters: Pathogenic (2). Last evaluated 2025-09-15.

Conditions:
Neurofibromatosis, type 1 (NF1). Also called: VON RECKLINGHAUSEN DISEASE; NEUROFIBROMATOSIS, TYPE I, SOMATIC; Peripheral type neurofibromatosis; Neurofibromatosis, type I. Identifiers: Orphanet 636, MedGen C0027831, MONDO:0018975, OMIM 162200. Disease mechanism: loss of function.

Submissions (2):

Labcorp Genetics (formerly Invitae), Labcorp
Classification: Pathogenic for Neurofibromatosis, type 1. Last evaluated: 2025-09-15. Review status: criteria provided, single submitter. Criteria: Invitae Variant Classification Sherloc (09022015). Collection method: clinical testing. Allele origin: germline.
Comment: This sequence change creates a premature translational stop signal (p.Arg2562Glufs*13) in the NF1 gene. It is expected to result in an absent or disrupted protein product. Loss-of-function variants in NF1 are known to be pathogenic (PMID: 10712197, 23913538). This variant is not present in population databases (gnomAD no frequency). This variant has not been reported in the literature in individuals affected with NF1-related conditions. Invitae Evidence Modeling of clinical and family history, age, sex, and reported ancestry of multiple individuals with this NF1 variant has been performed. This variant is expected to be pathogenic with a positive predictive value of at least 99%. This is a validated machine learning model that incorporates the clinical features of 1,785,918 individuals referred to our laboratory for NF1 testing. ClinVar contains an entry for this variant (Variation ID: 457853). For these reasons, this variant has been classified as Pathogenic.

GeneDx
Classification: Pathogenic. Last evaluated: 2024-10-14. Review status: criteria provided, single submitter. Criteria: GeneDx Variant Classification Process June 2021. Collection method: clinical testing. Allele origin: germline. Affected: yes.
Comment: Frameshift variant predicted to result in protein truncation or nonsense mediated decay in a gene for which loss of function is a known mechanism of disease; Not observed at significant frequency in large population cohorts (gnomAD); Has not been previously published as pathogenic or benign to our knowledge

Literature cited by the submitters: PubMed 10712197 (cited by Labcorp Genetics (formerly Invitae), Labcorp); PubMed 23913538 (cited by Labcorp Genetics (formerly Invitae), Labcorp).